The following is an entry in ClinVar:

ClinVar aggregate classification (germline): Uncertain significance (1 of 4 stars; one submission).

Allele frequency attached by ClinVar (database versions not stated): ExAC 0.00003; gnomAD 0.00003; TOPMed 0.00003.
gnomAD v4.1: 143 of 1,614,026 alleles (0.0089%); highest among the groups gnomAD compares: Non-Finnish European, 0.011%; no homozygotes.

Submission:

Labcorp Genetics (formerly Invitae), Labcorp
Classification: Uncertain significance. Last evaluated: 2022-05-27. Review status: criteria provided, single submitter. Criteria: Invitae Variant Classification Sherloc (09022015). Collection method: clinical testing. Allele origin: germline.
Comment: In summary, the available evidence is currently insufficient to determine the role of this variant in disease. Therefore, it has been classified as a Variant of Uncertain Significance. Algorithms developed to predict the effect of missense changes on protein structure and function output the following: SIFT: "Tolerated"; PolyPhen-2: "Benign"; Align-GVGD: "Class C0". The isoleucine amino acid residue is found in multiple mammalian species, which suggests that this missense change does not adversely affect protein function. This variant has not been reported in the literature in individuals affected with KLB-related conditions. This variant is present in population databases (rs757467947, gnomAD 0.006%). This sequence change replaces valine, which is neutral and non-polar, with isoleucine, which is neutral and non-polar, at codon 351 of the KLB protein (p.Val351Ile).

NM_175737.4(KLB):c.1051G>A (p.Val351Ile)

Gene: KLB (klotho beta; plus strand). Cytogenetic location: 4p14.
Variant type: single nucleotide variant.
Coding change: c.1051G>A on transcript NM_175737.4 (MANE Select); coding-DNA position 1051, G replaced by A.
Protein change: p.Val351Ile; replaces valine 351 with isoleucine.
Molecular consequence: missense variant.
Genome position (GRCh38, 1-based): chr4:39,434,435, G>A. VCF-style: chr4-39434435-G-A. GRCh37 (hg19) VCF-style: chr4-39436055-G-A.
Other names: short protein forms V351I.
Identifiers: ClinVar variation 2070187 (VCV002070187.4), dbSNP rs757467947, ClinGen allele CA2893765.